The following is an entry in ClinVar:

ClinVar aggregate classification (germline): Likely pathogenic. Review status: criteria provided, multiple submitters, no conflicts (2 of 4 stars). 2 submissions from 2 submitters: Likely pathogenic (2). Last evaluated 2020-04-15.

Conditions:
SLC35A2-related disorder. Also called: SLC35A2-related condition.
SLC35A2-congenital disorder of glycosylation. Also called: CONGENITAL DISORDER OF GLYCOSYLATION, TYPE IIm, SOMATIC MOSAIC; CONGENITAL DISORDER OF GLYCOSYLATION, TYPE IIm; CDG IIm; SLC35A2-CDG; EPILEPTIC ENCEPHALOPATHY, EARLY INFANTILE, 22; DEVELOPMENTAL AND EPILEPTIC ENCEPHALOPATHY 22. Identifiers: Orphanet 356961, MedGen C3806688, MONDO:0010478, OMIM 300896.

Submissions (2):

Blueprint Genetics
Classification: Likely pathogenic for SLC35A2-related disorders. Last evaluated: 2020-04-15. Review status: criteria provided, single submitter. Criteria: ACMG Guidelines, 2015. Collection method: clinical testing. Allele origin: germline. Affected: yes. Observed: 1 variant allele.

Lupski Lab, Baylor-Hopkins CMG, Baylor College of Medicine
Classification: Likely pathogenic for SLC35A2-congenital disorder of glycosylation. Last evaluated: 2015-09-09. Review status: criteria provided, single submitter. Criteria: Bosch et al. (EJHG 2015). Collection method: research. Allele origin: de novo. Affected: yes. Observed: 1 variant allele, 1 heterozygote.
Comment: This study shows that diverse genetic causes underlie CVI.

NM_005660.3(SLC35A2):c.800A>G (p.Tyr267Cys)

Gene: SLC35A2 (solute carrier family 35 member A2; minus strand). Cytogenetic location: Xp11.23.
Variant type: single nucleotide variant.
Coding change: c.800A>G on transcript NM_005660.3 (MANE Select); coding-DNA position 800, A replaced by G.
Protein change: p.Tyr267Cys; replaces tyrosine 267 with cysteine.
Molecular consequence: missense variant. On other transcripts: intron variant (3).
Genome position (GRCh38, 1-based): chrX:48,905,109, T>C on the plus strand (A>G on the coding strand, the complement: SLC35A2 is on the minus strand). VCF-style: chrX-48905109-T-C. GRCh37 (hg19) VCF-style: chrX-48762386-T-C.
Other names: c.800A>G, p.Tyr267Cys (NM_001042498.3); c.617A>G, p.Tyr206Cys (NM_001282649.2); c.839A>G, p.Tyr280Cys (NM_001282650.2); c.884A>G, p.Tyr295Cys (NM_001282651.2); c.427-217A>G (NM_001282647.2, NM_001032289.3); c.355-217A>G (NM_001282648.2); short protein forms Y267C, Y280C, Y206C, Y295C.
Identifiers: ClinVar variation 224808 (VCV000224808.3), dbSNP rs869312860, ClinGen allele CA357924.